The following is an entry in ClinVar:

NM_000071.3(CBS):c.1380G>A (p.Thr460=)

Gene: CBS (cystathionine beta-synthase; minus strand). Cytogenetic location: 21q22.3.
Variant type: single nucleotide variant.
Coding change: c.1380G>A on transcript NM_000071.3 (MANE Select); coding-DNA position 1380, G replaced by A.
Protein change: p.Thr460=; no amino-acid change (threonine 460 retained).
Molecular consequence: synonymous variant.
Genome position (GRCh38, 1-based): chr21:43,058,232, C>T on the plus strand (G>A on the coding strand, the complement: CBS is on the minus strand). VCF-style: chr21-43058232-C-T. GRCh37 (hg19) VCF-style: chr21-44478342-C-T.
Other names: c.1380G>A, p.Thr460= (NM_001178008.3, NM_001178009.3, NM_001320298.2); c.1065G>A, p.Thr355= (NM_001321072.1).
Identifiers: ClinVar variation 506415 (VCV000506415.16), dbSNP rs765134080, ClinGen allele CA321687488.

ClinVar aggregate classification (germline): Likely benign. Review status: criteria provided, multiple submitters, no conflicts (2 of 4 stars). 4 submissions from 4 submitters: Likely benign (4). Last evaluated 2026-01-31.

Conditions:
HYPERHOMOCYSTEINEMIA, THROMBOTIC, CBS-RELATED. Identifiers: MedGen C3150344, OMIM 236200.
Familial thoracic aortic aneurysm and aortic dissection (TAAD). Also called: Thoracic aortic aneurysms and dissections. Identifiers: Orphanet 91387, MedGen C4707243, MONDO:0019625.

Allele frequency attached by ClinVar (database versions not stated): gnomAD exomes 0.00016; ExAC 0.00017; gnomAD 0.00038.

Submissions (4):

Labcorp Genetics (formerly Invitae), Labcorp
Classification: Likely benign for HYPERHOMOCYSTEINEMIA, THROMBOTIC, CBS-RELATED. Last evaluated: 2026-01-31. Review status: criteria provided, single submitter. Criteria: Invitae Variant Classification Sherloc (09022015). Collection method: clinical testing. Allele origin: germline.

Blueprint Genetics
Classification: Likely benign. Last evaluated: 2024-11-08. Review status: criteria provided, single submitter. Criteria: ACMG Guidelines, 2015. Collection method: clinical testing. Allele origin: germline.

Ambry Genetics
Classification: Likely benign for Familial thoracic aortic aneurysm and aortic dissection. Last evaluated: 2022-04-03. Review status: criteria provided, single submitter. Criteria: Ambry Variant Classification Scheme 2023. Collection method: clinical testing. Allele origin: germline.

GeneDx
Classification: Likely benign. Last evaluated: 2017-04-26. Review status: criteria provided, single submitter. Criteria: GeneDx Variant Classification (06012015). Collection method: clinical testing. Allele origin: germline. Affected: yes.
Comment: This variant is considered likely benign or benign based on one or more of the following criteria: it is a conservative change, it occurs at a poorly conserved position in the protein, it is predicted to be benign by multiple in silico algorithms, and/or has population frequency not consistent with disease.